The following is an entry in ClinVar:

NM_000516.7(GNAS):c.871C>T (p.Leu291Phe)

Gene: GNAS (GNAS complex locus; plus strand). Cytogenetic location: 20q13.32.
Variant type: single nucleotide variant.
Coding change: c.871C>T on transcript NM_000516.7 (MANE Select); coding-DNA position 871, C replaced by T.
Protein change: p.Leu291Phe; replaces leucine 291 with phenylalanine.
Molecular consequence: missense variant. On other transcripts: 3 prime UTR variant (2).
Genome position (GRCh38, 1-based): chr20:58,909,982, C>T. VCF-style: chr20-58909982-C-T. GRCh37 (hg19) VCF-style: chr20-57485037-C-T.
Other names: c.775C>T, p.Leu259Phe (NM_001410912.1); c.2755C>T, p.Leu919Phe (NM_001410913.1); c.*777C>T (NM_016592.5); c.2800C>T, p.Leu934Phe (NM_080425.4); c.829C>T, p.Leu277Phe (NM_080426.4); c.874C>T, p.Leu292Phe (NM_001077488.5); c.826C>T, p.Leu276Phe (NM_001077489.4); c.*732C>T (NM_001077490.3); and 1 more; short protein forms L232F, L919F, L259F, L292F, L934F, L276F, L277F, L291F.
Identifiers: ClinVar variation 3003537 (VCV003003537.3), dbSNP rs11554278, ClinGen allele CA409453011.

ClinVar aggregate classification (germline): Uncertain significance (1 of 4 stars; one submission).

Submission:

Labcorp Genetics (formerly Invitae), Labcorp
Classification: Uncertain significance. Last evaluated: 2023-10-08. Review status: criteria provided, single submitter. Criteria: Invitae Variant Classification Sherloc (09022015). Collection method: clinical testing. Allele origin: germline.
Comment: This sequence change replaces leucine, which is neutral and non-polar, with phenylalanine, which is neutral and non-polar, at codon 291 of the GNAS protein (p.Leu291Phe). This variant is not present in population databases (gnomAD no frequency). This variant has not been reported in the literature in individuals affected with GNAS-related conditions. Advanced modeling of protein sequence and biophysical properties (such as structural, functional, and spatial information, amino acid conservation, physicochemical variation, residue mobility, and thermodynamic stability) performed at Invitae indicates that this missense variant is not expected to disrupt GNAS protein function. In summary, the available evidence is currently insufficient to determine the role of this variant in disease. Therefore, it has been classified as a Variant of Uncertain Significance.